The following is an entry in ClinVar:

NM_001001331.4(ATP2B2):c.3438G>A (p.Ala1146=)

Gene: ATP2B2 (ATPase plasma membrane Ca2+ transporting 2; minus strand). Cytogenetic location: 3p25.3.
Variant type: single nucleotide variant.
Coding change: c.3438G>A on transcript NM_001001331.4 (MANE Select); coding-DNA position 3438, G replaced by A.
Protein change: p.Ala1146=; no amino-acid change (alanine 1146 retained).
Molecular consequence: synonymous variant. On other transcripts: 3 prime UTR variant (1), missense variant (1).
Genome position (GRCh38, 1-based): chr3:10,329,108, C>T on the plus strand (G>A on the coding strand, the complement: ATP2B2 is on the minus strand). VCF-style: chr3-10329108-C-T. GRCh37 (hg19) VCF-style: chr3-10370792-C-T.
Other names: c.*65G>A (NM_001330611.3); c.3303G>A, p.Ala1101= (NM_001353564.1, NM_001683.5); c.3475G>A, p.Val1159Ile (NM_001363862.1); short protein forms V1159I.
Identifiers: ClinVar variation 1590652 (VCV001590652.34), dbSNP rs143490373, ClinGen allele CA2253071.
Genomic context (GRCh38, chr3:10,329,108, plus strand): 5'-GTTATGGATGGAGGTTCGAGATTCAGGCTTTTCTAAACCTTCATAGAGAGAGCTACGGAA[C>T]GCCTTCACGACGCGGATCTGCAAGGGAAGCACAGGGGTCAGGAGCACTGCCCAGGGACCA-3'
Protein context (NP_001001331.1, residues 1136-1156): RIQTQIRVVK[Ala1146=]FRSSLYEGLE

ClinVar aggregate classification (germline): Likely benign. Review status: criteria provided, multiple submitters, no conflicts (2 of 4 stars). 4 submissions from 4 submitters: Likely benign (4). Last evaluated 2026-01-22.

Conditions:
ATP2B2-related disorder. Also called: ATP2B2-related condition.

Allele frequency attached by ClinVar (database versions not stated): gnomAD 0.00014 and 0.00016; ESP Exome Variant Server 0.00015; ExAC 0.00017; TOPMed 0.00017; gnomAD exomes 0.00018 and 0.00020.
gnomAD v4.1: 309 of 1,613,008 alleles (0.019%); highest among the groups gnomAD compares: Middle Eastern, 0.049%; no homozygotes.

Submissions (4):

PreventionGenetics, part of Exact Sciences
Classification: Likely benign for ATP2B2-related condition. Last evaluated: 2026-01-22. Review status: criteria provided, single submitter. Criteria: ACMG Guidelines, 2015. Collection method: clinical testing. Allele origin: germline.
Comment: This variant is classified as likely benign based on ACMG/AMP sequence variant interpretation guidelines (Richards et al. 2015 PMID: 25741868, with internal and published modifications).

Labcorp Genetics (formerly Invitae), Labcorp
Classification: Likely benign. Last evaluated: 2025-11-03. Review status: criteria provided, single submitter. Criteria: Invitae Variant Classification Sherloc (09022015). Collection method: clinical testing. Allele origin: germline.

Blueprint Genetics
Classification: Likely benign. Last evaluated: 2024-11-21. Review status: criteria provided, single submitter. Criteria: ACMG Guidelines, 2015. Collection method: clinical testing. Allele origin: germline.

CeGaT Center for Human Genetics Tuebingen
Classification: Likely benign. Last evaluated: 2022-10-01. Review status: criteria provided, single submitter. Criteria: CeGaT Center For Human Genetics Tuebingen Variant Classification Criteria Version 2. Collection method: clinical testing. Allele origin: germline. Affected: yes. Observed: 1 variant allele.
Comment: ATP2B2: PP2, BS2